The following is an entry in ClinVar:

NM_003060.4(SLC22A5):c.680G>A (p.Arg227His)

Gene: SLC22A5 (solute carrier family 22 member 5; plus strand). Cytogenetic location: 5q31.1.
Variant type: single nucleotide variant.
Coding change: c.680G>A on transcript NM_003060.4 (MANE Select); coding-DNA position 680, G replaced by A.
Protein change: p.Arg227His; replaces arginine 227 with histidine.
Molecular consequence: missense variant.
Genome position (GRCh38, 1-based): chr5:132,385,355, G>A. VCF-style: chr5-132385355-G-A. GRCh37 (hg19) VCF-style: chr5-131721047-G-A.
Other names: c.752G>A, p.Arg251His (NM_001308122.2); short protein forms R227H, R251H.
Identifiers: ClinVar variation 378583 (VCV000378583.29), dbSNP rs185551386, ClinGen allele CA3403949.

ClinVar aggregate classification (germline): Pathogenic/Likely pathogenic. Review status: criteria provided, multiple submitters, no conflicts (2 of 4 stars). 10 submissions from 10 submitters: Pathogenic (7); Likely pathogenic (2). 1 of the submissions does not count toward it. Last evaluated 2026-01-27.

Conditions:
Carnitine deficiency. Identifiers: MedGen C1142132.
Renal carnitine transport defect (CDSP). Also called: Systemic primary carnitine deficiency disease; Systemic primary carnitine deficiency; CARNITINE DEFICIENCY, SYSTEMIC, DUE TO DEFECT IN RENAL REABSORPTION OF CARNITINE; CARNITINE TRANSPORTER, PLASMA-MEMBRANE, DEFICIENCY OF; CARNITINE UPTAKE DEFECT; Carnitine transporter deficiency. Identifiers: Orphanet 158, MedGen C0342788, MONDO:0008919, OMIM 212140.
SLC22A5-related disorder. Also called: SLC22A5-related condition.

Allele frequency attached by ClinVar (database versions not stated): gnomAD 0.00004; gnomAD exomes 0.00004 and 0.00006; TOPMed 0.00005; ExAC 0.00006; 1000 Genomes Project 30x 0.00016; 1000 Genomes Project 0.00020.
gnomAD v4.1: 67 of 1,614,154 alleles (0.0042%); highest among the groups gnomAD compares: Admixed American, 0.028%; 1 homozygote.

Submissions (10):

Labcorp Genetics (formerly Invitae), Labcorp
Classification: Pathogenic for Renal carnitine transport defect. Last evaluated: 2026-01-27. Review status: criteria provided, single submitter. Criteria: Invitae Variant Classification Sherloc (09022015). Collection method: clinical testing. Allele origin: germline.
Comment: This sequence change replaces arginine, which is basic and polar, with histidine, which is basic and polar, at codon 227 of the SLC22A5 protein (p.Arg227His). This variant is present in population databases (rs185551386, gnomAD 0.03%). This missense change has been observed in individual(s) with primary carnitine deficiency (PMID: 20574985, 26828774; internal). In at least one individual the data is consistent with being in trans (on the opposite chromosome) from a pathogenic variant. ClinVar contains an entry for this variant (Variation ID: 378583). Invitae Evidence Modeling of protein sequence and biophysical properties (such as structural, functional, and spatial information, amino acid conservation, physicochemical variation, residue mobility, and thermodynamic stability) indicates that this missense variant is expected to disrupt SLC22A5 protein function with a positive predictive value of 95%. For these reasons, this variant has been classified as Pathogenic.

Natera, Inc.
Classification: Pathogenic for Carnitine deficiency. Last evaluated: 2025-10-16. Review status: criteria provided, single submitter. Criteria: Natera Variant Classification Schema (03/2026). Collection method: clinical testing. Allele origin: germline.
Comment: The c.680G>A variant in SLC22A5 is a missense variant predicted to cause substitution of arginine to histidine at amino acid 227. This variant is rare in the general population with a frequency below the threshold expected for the associated phenotype(s). This variant has been observed in one or more individuals affected with the associated recessive disease, as either homozygous or compound heterozygous with a second variant (PMID: 29581464, 36568374). Computational prediction algorithms indicate this variant is likely to affect gene or protein function. Given the available evidence, this variant is classified as Pathogenic.

GeneDx
Classification: Pathogenic. Last evaluated: 2025-05-23. Review status: criteria provided, single submitter. Criteria: GeneDx Variant Classification Process June 2021. Collection method: clinical testing. Allele origin: germline. Affected: yes.
Comment: Published functional studies demonstrate the R227H variant significantly reduces carnitine transport compared to wild-type (PMID: 28841266); In silico analysis supports that this missense variant has a deleterious effect on protein structure/function; This variant is associated with the following publications: (PMID: 34637945, 20574985, 26828774, 29581464, 29731766, 32778825, 37487700, 28841266)

Department of Genetics of Metabolic Diseases, Institute of Medical & Molecular Genetics, Hospital Universitario Hospital La Paz
Classification: Likely pathogenic for Renal carnitine transport defect. Last evaluated: 2024-09-01. Review status: criteria provided, single submitter. Criteria: ACMG Guidelines, 2015. Collection method: clinical testing. Allele origin: germline. Inheritance: Autosomal recessive inheritance. Affected: yes.
Comment: The variant NM_003060.3:c.680G>A p.(Arg227His) in SLC22A5 is present at low frequency in gnomAD (0.005965%) and computational prediction tools support a deleterious effect on the gene. This variant has been observed in two newborns with abnormal levels of free carnitine at NBS consistent with primary carnitine deficiency carrying this variant along with a second deleterious variant (PMID: 20574985, Hidalgo Mayoral I et al., in press).

Women's Health and Genetics/Laboratory Corporation of America, LabCorp
Classification: Pathogenic for Renal carnitine transport defect. Last evaluated: 2024-05-23. Review status: criteria provided, single submitter. Criteria: LabCorp Variant Classification Summary - May 2015. Collection method: clinical testing. Allele origin: germline.
Comment: Variant summary: SLC22A5 c.680G>A (p.Arg227His) results in a non-conservative amino acid change located in the Major facilitator superfamily domain (IPR020846) of the encoded protein sequence. Five of five in-silico tools predict a damaging effect of the variant on protein function. The variant allele was found at a frequency of 6e-05 in 251480 control chromosomes (gnomAD). This frequency is not significantly higher than estimated for a pathogenic variant in SLC22A5 causing Systemic Primary Carnitine Deficiency (6e-05 vs 0.0046), allowing no conclusion about variant significance. c.680G>A has been reported in the literature in individuals affected with Systemic Primary Carnitine Deficiency (e.g. Li_2010, Tong_2018, Yang_2021). These data indicate that the variant is likely to be associated with disease. At least one publication reports experimental evidence evaluating an impact on protein function, finding that the variant results in <10% of normal activity (Frigeni_2017). The following publications have been ascertained in the context of this evaluation (PMID: 20574985, 28841266, 29581464, 34249102). ClinVar contains an entry for this variant (Variation ID: 378583). Based on the evidence outlined above, the variant was classified as pathogenic.

Blueprint Genetics
Classification: Pathogenic for SLC22A5-related disorders. Last evaluated: 2023-03-24. Review status: criteria provided, single submitter. Criteria: ACMG Guidelines, 2015. Collection method: clinical testing. Allele origin: germline. Affected: yes. Observed: 4 variant alleles.

Genome-Nilou Lab
Classification: Likely pathogenic for Renal carnitine transport defect. Last evaluated: 2021-07-15. Review status: criteria provided, single submitter. Criteria: ACMG Guidelines, 2015. Collection method: clinical testing. Allele origin: germline. Affected: no.

Fulgent Genetics
Classification: Pathogenic for Renal carnitine transport defect. Last evaluated: 2021-07-13. Review status: criteria provided, single submitter. Criteria: ACMG Guidelines, 2015. Collection method: clinical testing. Allele origin: unknown.

ARUP Laboratories, Molecular Genetics and Genomics, ARUP Laboratories
Classification: Pathogenic for Renal carnitine transport defect. Last evaluated: 2021-01-25. Review status: criteria provided, single submitter. Criteria: ARUP Molecular Germline Variant Investigation Process 2021. Collection method: clinical testing. Allele origin: germline.
Comment: The SLC22A5 c.680G>A; p.Arg227His variant (rs185551386) is reported in the literature in multiple individuals with primary carnitine deficiency (Guo 2018, Li 2010, Tong 2018). Functional analyses of the variant protein show significantly decreased carnitine transport activity (Frigeni 2017). This variant is also reported in ClinVar (Variation ID: 378583). This variant is found in the Latino population with an allele frequency of 0.03% (12/34592 alleles) in the Genome Aggregation Database. The arginine at codon 227 is highly conserved, and computational analyses predict that this variant is deleterious (REVEL: 0.885). Based on available information, this variant is considered to be pathogenic. References: Frigeni M et al. Functional and molecular studies in primary carnitine deficiency. Hum Mutat. 2017 Dec;38(12):1684-1699. Guo K et al. Expanded Newborn Screening for Inborn Errors of Metabolism and Genetic Characteristics in a Chinese Population. Front Genet. 2018 Apr 20;9:122. Li FY et al. Molecular spectrum of SLC22A5 (OCTN2) gene mutations detected in 143 subjects evaluated for systemic carnitine deficiency. Hum Mutat. 2010 Aug;31(8):E1632-51. Tong W et al. Whole-exome Sequencing Helps the Diagnosis and Treatment in Children with Neurodevelopmental Delay Accompanied Unexplained Dyspnea. Sci Rep. 2018 Mar 26;8(1):5214.

Counsyl
Classification: Likely pathogenic for Renal carnitine transport defect. Last evaluated: 2018-04-06. Review status: no assertion criteria provided. Collection method: clinical testing. Allele origin: unknown. Not counted in ClinVar's aggregate classification.

Literature cited by the submitters: PubMed 20574985 (cited by 3 submitters); PubMed 26828774 (cited by Labcorp Genetics (formerly Invitae), Labcorp); PubMed 2 (cited by Labcorp Genetics (formerly Invitae), Labcorp); PubMed 29581464 (cited by Natera, Inc. and Women's Health and Genetics/Laboratory Corporation of America, LabCorp); PubMed 36568374 (cited by Natera, Inc.); PubMed 41022664 (cited by Department of Genetics of Metabolic Diseases, Institute of Medical & Molecular Genetics, Hospital Universitario Hospital La Paz); PubMed 28841266 (cited by Women's Health and Genetics/Laboratory Corporation of America, LabCorp and Counsyl); PubMed 34249102 (cited by Women's Health and Genetics/Laboratory Corporation of America, LabCorp).